The following is an entry in ClinVar:

ClinVar aggregate classification (germline): Conflicting classifications of pathogenicity. Review status: criteria provided, conflicting classifications (1 of 4 stars). 4 submissions from 4 submitters: Uncertain significance (2); Likely benign (1). 1 of the submissions does not count toward it. Last evaluated 2025-08-26.

Conditions:
Cardiovascular phenotype. Identifiers: MedGen CN230736.
Alagille syndrome due to a JAG1 point mutation. Also called: Alagille Syndrome 1; JAG1-Related Alagille Syndrome; HEPATIC DUCTULAR HYPOPLASIA, SYNDROMATIC. Identifiers: Orphanet 261619, Orphanet 52, MedGen C1956125, MONDO:0016862, OMIM 118450.
Deafness, congenital heart defects, and posterior embryotoxon (DCHE). Identifiers: MedGen C1866053, MONDO:0060713, OMIM 617992.
Charcot-Marie-Tooth disease, axonal, Type 2HH. Also called: CHARCOT-MARIE-TOOTH NEUROPATHY, TYPE 2HH. Identifiers: MedGen C5562003, MONDO:0030458, OMIM 619574.
Tetralogy of Fallot (TOF). Identifiers: Orphanet 3303, MedGen C0039685, MONDO:0008542, OMIM 187500, HP:0001636.
Dilatation of aorta. Also called: Aortic dilatation. Identifiers: MedGen C0265004.
Pes planus. Also called: Flat feet; flatfoot. Identifiers: MedGen C0016202, MONDO:0005293, HP:0001763.
Scoliosis. Identifiers: MedGen C0036439, MONDO:0005392, HP:0002650.

Allele frequency attached by ClinVar (database versions not stated): TOPMed below 0.00001; gnomAD 0.00001; gnomAD exomes 0.00002.

Submissions (4):

Labcorp Genetics (formerly Invitae), Labcorp
Classification: Likely benign for Alagille syndrome due to a JAG1 point mutation. Last evaluated: 2025-08-26. Review status: criteria provided, single submitter. Criteria: Invitae Variant Classification Sherloc (09022015). Collection method: clinical testing. Allele origin: germline.

Ambry Genetics
Classification: Uncertain significance for Cardiovascular phenotype. Last evaluated: 2023-06-10. Review status: criteria provided, single submitter. Criteria: Ambry Variant Classification Scheme 2023. Collection method: clinical testing. Allele origin: germline.
Comment: The p.R1169Q variant (also known as c.3506G>A), located in coding exon 26 of the JAG1 gene, results from a G to A substitution at nucleotide position 3506. The arginine at codon 1169 is replaced by glutamine, an amino acid with highly similar properties. This amino acid position is conserved. In addition, the in silico prediction for this alteration is inconclusive. Since supporting evidence is limited at this time, the clinical significance of this alteration remains unclear.

Fulgent Genetics
Classification: Uncertain significance for Alagille syndrome due to a JAG1 point mutation; Tetralogy of Fallot; Deafness, congenital heart defects, and posterior embryotoxon; Charcot-Marie-Tooth disease, axonal, Type 2HH. Last evaluated: 2022-05-08. Review status: criteria provided, single submitter. Criteria: ACMG Guidelines, 2015. Collection method: clinical testing. Allele origin: unknown.

Molecular Genetics Laboratory, Motol Hospital
Classification: Uncertain significance for Aortic aneurysm; Scoliosis; Pes planus. Last evaluated: 2020-02-28. Review status: no assertion criteria provided. Collection method: clinical testing. Allele origin: unknown. Inheritance: Autosomal dominant inheritance. Not counted in ClinVar's aggregate classification.

NM_000214.3(JAG1):c.3506G>A (p.Arg1169Gln)

Gene: JAG1 (jagged canonical Notch ligand 1; minus strand). Cytogenetic location: 20p12.2.
Variant type: single nucleotide variant.
Coding change: c.3506G>A on transcript NM_000214.3 (MANE Select); coding-DNA position 3506, G replaced by A.
Protein change: p.Arg1169Gln; replaces arginine 1169 with glutamine.
Molecular consequence: missense variant.
Genome position (GRCh38, 1-based): chr20:10,639,649, C>T on the plus strand (G>A on the coding strand, the complement: JAG1 is on the minus strand). VCF-style: chr20-10639649-C-T. GRCh37 (hg19) VCF-style: chr20-10620297-C-T.
Other names: short protein forms R1169Q.
Identifiers: ClinVar variation 932283 (VCV000932283.10), dbSNP rs1268561604, ClinGen allele CA408242700.
Genomic context (GRCh38, chr20:10,639,649, plus strand): 5'-GTGCCGTTGGGGGGCTTCTCTTCTCTGTCTACCAGCGTGTACGCCGGCTGCTTGGCAAAC[C>T]GGGCTTTCTGCTGGTGTTTGTCCATGTCGTCCTCTTCTACTTCAGAATTGTGTGTCCTTA-3'
Protein context (NP_000205.1, residues 1159-1179): DDMDKHQQKA[Arg1169Gln]FAKQPAYTLV